The following is an entry in ClinVar:

NM_004629.2(FANCG):c.988C>T (p.Pro330Ser)

Gene: FANCG (FA complementation group G; minus strand). Cytogenetic location: 9p13.3.
Variant type: single nucleotide variant.
Coding change: c.988C>T on transcript NM_004629.2 (MANE Select); coding-DNA position 988, C replaced by T.
Protein change: p.Pro330Ser; replaces proline 330 with serine.
Molecular consequence: missense variant.
Genome position (GRCh38, 1-based): chr9:35,076,520, G>A on the plus strand (C>T on the coding strand, the complement: FANCG is on the minus strand). VCF-style: chr9-35076520-G-A. GRCh37 (hg19) VCF-style: chr9-35076517-G-A.
Other names: short protein forms P330S.
Identifiers: ClinVar variation 134369 (VCV000134369.30), dbSNP rs4986940, ClinGen allele CA159622.

ClinVar aggregate classification (germline): Benign/Likely benign. Review status: criteria provided, multiple submitters, no conflicts (2 of 4 stars). 13 submissions from 13 submitters: Benign (4); Likely benign (5). 4 of the submissions do not count toward it. Last evaluated 2026-02-01.

Conditions:
Fanconi anemia (FA). Also called: Fanconi's anemia. Identifiers: Orphanet 84, MedGen C0015625, MeSH D005199, MONDO:0019391.
Fanconi anemia complementation group G. Also called: FANCG-Related Fanconi Anemia; Fanconi anemia group G. Identifiers: Orphanet 84, MedGen C3469527, MONDO:0013565, OMIM 614082.

Allele frequency attached by ClinVar (database versions not stated): ESP Exome Variant Server 0.00700; TOPMed 0.00757; gnomAD exomes 0.00068 and 0.00149; ExAC 0.00179; 1000 Genomes Project 30x 0.00468; 1000 Genomes Project 0.00479; gnomAD 0.00622 and 0.00670.
gnomAD v4.1: 1,970 of 1,614,172 alleles (0.12%); highest among the groups gnomAD compares: African/African-American, 2.2%; 22 homozygotes.

Submissions (13):

Labcorp Genetics (formerly Invitae), Labcorp
Classification: Benign for Fanconi anemia. Last evaluated: 2026-02-01. Review status: criteria provided, single submitter. Criteria: Invitae Variant Classification Sherloc (09022015). Collection method: clinical testing. Allele origin: germline.

Blueprint Genetics
Classification: Likely benign. Last evaluated: 2024-11-15. Review status: criteria provided, single submitter. Criteria: ACMG Guidelines, 2015. Collection method: clinical testing. Allele origin: germline.

GeneDx
Classification: Likely benign. Last evaluated: 2024-04-29. Review status: criteria provided, single submitter. Criteria: GeneDx Variant Classification Process June 2021. Collection method: clinical testing. Allele origin: germline. Affected: yes.
Comment: See Variant Classification Assertion Criteria.

ARUP Laboratories, Molecular Genetics and Genomics, ARUP Laboratories
Classification: Likely benign for Fanconi anemia complementation group G. Last evaluated: 2024-03-25. Review status: criteria provided, single submitter. Criteria: ARUP Molecular Germline Variant Investigation Process 2024. Collection method: clinical testing. Allele origin: germline.

KCCC/NGS Laboratory, Kuwait Cancer Control Center
Classification: Benign for Fanconi anemia complementation group G. Last evaluated: 2023-07-07. Review status: criteria provided, single submitter. Criteria: ACMG Guidelines, 2015. Collection method: clinical testing. Allele origin: germline. Affected: yes.

Fulgent Genetics
Classification: Likely benign for Fanconi anemia complementation group G. Last evaluated: 2021-07-19. Review status: criteria provided, single submitter. Criteria: ACMG Guidelines, 2015. Collection method: clinical testing. Allele origin: unknown.

Genetic Services Laboratory, University of Chicago
Classification: Benign. Last evaluated: 2019-01-03. Review status: criteria provided, single submitter. Criteria: ACMG Guidelines, 2015. Collection method: clinical testing. Allele origin: germline. Affected: no.

Illumina Laboratory Services, Illumina
Classification: Benign for Fanconi anemia complementation group G. Last evaluated: 2018-01-13. Review status: criteria provided, single submitter. Criteria: ICSL Variant Classification Criteria 13 December 2019. Collection method: clinical testing. Allele origin: germline.
Comment: This variant was observed in the ICSL laboratory as part of a predisposition screen in an ostensibly healthy population. It had not been previously curated by ICSL or reported in the Human Gene Mutation Database (HGMD: prior to June 1st, 2018), and was therefore a candidate for classification through an automated scoring system. Utilizing variant allele frequency, disease prevalence and penetrance estimates, and inheritance mode, an automated score was calculated to assess if this variant is too frequent to cause the disease. Based on the score and internal cut-off values, a variant classified as benign is not then subjected to further curation. The score for this variant resulted in a classification of benign for this disease.

Breakthrough Genomics
Classification: Likely benign. Review status: criteria provided, single submitter. Criteria: ACMG Guidelines, 2015. Collection method: not provided. Allele origin: germline. Inheritance: Autosomal recessive inheritance. Affected: yes.

Natera, Inc.
Classification: Benign for Fanconi anemia group G. Last evaluated: 2020-09-16. Review status: no assertion criteria provided. Collection method: clinical testing. Allele origin: germline. Not counted in ClinVar's aggregate classification.

ITMI
No classification provided. Condition: AllHighlyPenetrant. Last evaluated: 2013-09-19. Review status: no classification provided. Collection method: reference population. Allele origin: germline. Not counted in ClinVar's aggregate classification.
Comment: Please see associated publication for description of ethnicities

Genome Diagnostics Laboratory, Amsterdam University Medical Center
Classification: Benign. Review status: no assertion criteria provided. Collection method: clinical testing. Allele origin: germline. Affected: yes. Study: VKGL Data-share Consensus. Not counted in ClinVar's aggregate classification.

Genome Diagnostics Laboratory, University Medical Center Utrecht
Classification: Benign. Review status: no assertion criteria provided. Collection method: clinical testing. Allele origin: germline. Affected: yes. Study: VKGL Data-share Consensus. Not counted in ClinVar's aggregate classification.

Literature cited by the submitters: PubMed 24728327 (cited by ITMI).